The following is an entry in ClinVar:

ClinVar aggregate classification (germline): Uncertain significance. Review status: criteria provided, multiple submitters, no conflicts (2 of 4 stars). 2 submissions from 2 submitters: Uncertain significance (2). Last evaluated 2025-11-17.

Conditions:
Ataxia-telangiectasia-like disorder (ATLD). Identifiers: MedGen C1858391, MONDO:0011457.
Hereditary cancer-predisposing syndrome. Also called: Hereditary neoplastic syndrome; Tumor predisposition; Hereditary Cancer Syndrome; Neoplastic Syndromes, Hereditary. Identifiers: Orphanet 140162, MedGen C0027672, MeSH D009386, MONDO:0015356.

Allele frequency attached by ClinVar (database versions not stated): gnomAD exomes below 0.00001; gnomAD 0.00001; TOPMed 0.00001.
gnomAD v4.1: 4 of 1,613,604 alleles (0.00025%); highest among the groups gnomAD compares: Non-Finnish European, 0.00034%; no homozygotes.

Submissions (2):

Ambry Genetics
Classification: Uncertain significance for Hereditary cancer-predisposing syndrome. Last evaluated: 2025-11-17. Review status: criteria provided, single submitter. Criteria: Ambry Variant Classification Scheme 2023. Collection method: clinical testing. Allele origin: germline.
Comment: The p.V159M variant (also known as c.475G>A), located in coding exon 5 of the MRE11A gene, results from a G to A substitution at nucleotide position 475. The valine at codon 159 is replaced by methionine, an amino acid with highly similar properties. This amino acid position is highly conserved in available vertebrate species. In addition, the in silico prediction for this alteration is inconclusive. Since supporting evidence is limited at this time, the clinical significance of this alteration remains unclear.

Labcorp Genetics (formerly Invitae), Labcorp
Classification: Uncertain significance for Ataxia-telangiectasia-like disorder. Last evaluated: 2021-09-01. Review status: criteria provided, single submitter. Criteria: Invitae Variant Classification Sherloc (09022015). Collection method: clinical testing. Allele origin: germline.
Comment: This sequence change replaces valine with methionine at codon 159 of the MRE11 protein (p.Val159Met). The valine residue is moderately conserved and there is a small physicochemical difference between valine and methionine. This variant is not present in population databases (ExAC no frequency). This variant has not been reported in the literature in individuals affected with MRE11-related conditions. Algorithms developed to predict the effect of missense changes on protein structure and function are either unavailable or do not agree on the potential impact of this missense change (SIFT: "Deleterious"; PolyPhen-2: "Benign"; Align-GVGD: "Class C0"). In summary, the available evidence is currently insufficient to determine the role of this variant in disease. Therefore, it has been classified as a Variant of Uncertain Significance.

NM_005591.4(MRE11):c.475G>A (p.Val159Met)

Gene: MRE11 (MRE11 double strand break repair nuclease; minus strand). Cytogenetic location: 11q21.
Variant type: single nucleotide variant.
Coding change: c.475G>A on transcript NM_005591.4 (MANE Select); coding-DNA position 475, G replaced by A.
Protein change: p.Val159Met; replaces valine 159 with methionine.
Molecular consequence: missense variant.
Genome position (GRCh38, 1-based): chr11:94,478,804, C>T on the plus strand (G>A on the coding strand, the complement: MRE11 is on the minus strand). VCF-style: chr11-94478804-C-T. GRCh37 (hg19) VCF-style: chr11-94211970-C-T.
Other names: c.475G>A, p.Val159Met (NM_001330347.2, NM_005590.4); short protein forms V159M.
Identifiers: ClinVar variation 220013 (VCV000220013.12), dbSNP rs864622344, ClinGen allele CA349075.